The following is an entry in ClinVar:

ClinVar aggregate classification (germline): Uncertain significance. Review status: criteria provided, multiple submitters, no conflicts (2 of 4 stars). 2 submissions from 2 submitters: Uncertain significance (2). Last evaluated 2024-11-04.

Conditions:
Baller-Gerold syndrome (BGS). Also called: CRANIOSYNOSTOSIS WITH RADIAL DEFECTS. Identifiers: Orphanet 1225, MedGen C0265308, MONDO:0009039, OMIM 218600.
Hereditary cancer-predisposing syndrome. Also called: Neoplastic Syndromes, Hereditary; Tumor predisposition; Hereditary neoplastic syndrome; Hereditary Cancer Syndrome. Identifiers: Orphanet 140162, MedGen C0027672, MeSH D009386, MONDO:0015356.

Allele frequency attached by ClinVar (database versions not stated): gnomAD 0.00001; gnomAD exomes 0.00001; TOPMed 0.00001; ExAC 0.00003.
gnomAD v4.1: 8 of 1,612,498 alleles (0.0005%); highest among the groups gnomAD compares: Middle Eastern, 0.033%; no homozygotes.

Submissions (2):

Labcorp Genetics (formerly Invitae), Labcorp
Classification: Uncertain significance for Baller-Gerold syndrome. Last evaluated: 2024-11-04. Review status: criteria provided, single submitter. Criteria: Invitae Variant Classification Sherloc (09022015). Collection method: clinical testing. Allele origin: germline.
Comment: This sequence change replaces arginine, which is basic and polar, with threonine, which is neutral and polar, at codon 1185 of the RECQL4 protein (p.Arg1185Thr). This variant is present in population databases (rs774756135, gnomAD 0.003%). This variant has not been reported in the literature in individuals affected with RECQL4-related conditions. ClinVar contains an entry for this variant (Variation ID: 528972). Invitae Evidence Modeling of protein sequence and biophysical properties (such as structural, functional, and spatial information, amino acid conservation, physicochemical variation, residue mobility, and thermodynamic stability) indicates that this missense variant is expected to disrupt RECQL4 protein function with a positive predictive value of 80%. In summary, the available evidence is currently insufficient to determine the role of this variant in disease. Therefore, it has been classified as a Variant of Uncertain Significance.

Sema4
Classification: Uncertain significance for Hereditary cancer-predisposing syndrome. Last evaluated: 2021-12-17. Review status: criteria provided, single submitter. Criteria: Sema4 Curation Guidelines. Collection method: curation. Allele origin: germline.
Comment: The RECQL4 c.3554G>C (p.R1185T) variant has not been reported in the literature to our knowledge. It was observed in 2/111722 chromosomes of the Non-Finnish European subpopulation in the large and broad cohorts of the Genome Aggregation Database (PMID: 32461654). The variant has been reported in ClinVar (Variation ID 528972). In silico tools suggest the impact of the variant on protein function is deleterious, though these predictions have not been confirmed by functional studies. The evidence is insufficient to meet ACMG/AMP criteria for classifying the variant as benign or pathogenic. Thus, the clinical significance of this variant is currently uncertain.

NM_004260.4(RECQL4):c.3554G>C (p.Arg1185Thr)

Gene: RECQL4 (RecQ like helicase 4; minus strand). Cytogenetic location: 8q24.3.
Variant type: single nucleotide variant.
Coding change: c.3554G>C on transcript NM_004260.4 (MANE Select); coding-DNA position 3554, G replaced by C.
Protein change: p.Arg1185Thr; replaces arginine 1185 with threonine.
Molecular consequence: missense variant.
Genome position (GRCh38, 1-based): chr8:144,511,504, C>G on the plus strand (G>C on the coding strand, the complement: RECQL4 is on the minus strand). VCF-style: chr8-144511504-C-G. GRCh37 (hg19) VCF-style: chr8-145736887-C-G.
Other names: short protein forms R1185T.
Identifiers: ClinVar variation 528972 (VCV000528972.10), dbSNP rs774756135, ClinGen allele CA4947650.